The following is an entry in ClinVar:

ClinVar aggregate classification (germline): Uncertain significance (1 of 4 stars; one submission).

Allele frequency attached by ClinVar (database versions not stated): gnomAD exomes below 0.00001; TOPMed below 0.00001; gnomAD 0.00001.
gnomAD v4.1: 2 of 1,613,016 alleles (0.00012%); highest among the groups gnomAD compares: Non-Finnish European, 0.00017%; no homozygotes.

Submission:

Labcorp Genetics (formerly Invitae), Labcorp
Classification: Uncertain significance. Last evaluated: 2020-10-27. Review status: criteria provided, single submitter. Criteria: Invitae Variant Classification Sherloc (09022015). Collection method: clinical testing. Allele origin: germline.
Comment: This sequence change replaces serine with asparagine at codon 460 of the ATR protein (p.Ser460Asn). The serine residue is moderately conserved and there is a small physicochemical difference between serine and asparagine. In summary, the available evidence is currently insufficient to determine the role of this variant in disease. Therefore, it has been classified as a Variant of Uncertain Significance. Algorithms developed to predict the effect of missense changes on protein structure and function output the following: SIFT: "Tolerated"; PolyPhen-2: "Benign"; Align-GVGD: "Class C0". The asparagine amino acid residue is found in multiple mammalian species, suggesting that this missense change does not adversely affect protein function. These predictions have not been confirmed by published functional studies and their clinical significance is uncertain. This variant has not been reported in the literature in individuals with ATR-related conditions. This variant is not present in population databases (ExAC no frequency).

NM_001184.4(ATR):c.1379G>A (p.Ser460Asn)

Gene: ATR (ATR checkpoint kinase; minus strand). Cytogenetic location: 3q23.
Variant type: single nucleotide variant.
Coding change: c.1379G>A on transcript NM_001184.4 (MANE Select); coding-DNA position 1379, G replaced by A.
Protein change: p.Ser460Asn; replaces serine 460 with asparagine.
Molecular consequence: missense variant. On other transcripts: intron variant (1).
Genome position (GRCh38, 1-based): chr3:142,560,425, C>T on the plus strand (G>A on the coding strand, the complement: ATR is on the minus strand). VCF-style: chr3-142560425-C-T. GRCh37 (hg19) VCF-style: chr3-142279267-C-T.
Other names: c.1349+818G>A (NM_001354579.2); short protein forms S460N.
Identifiers: ClinVar variation 1044315 (VCV001044315.8), dbSNP rs1183074456, ClinGen allele CA354823026.
Genomic context (GRCh38, chr3:142,560,425, plus strand): 5'-CTGTATTCAAGGGAAATCTGAAGGGATTCAGCTTTCTGTTTCAGTGCACTCCATAATATG[C>T]TCTTTTGGTTCATGTCCACATGTTTAATTCTATAATTATGAATATAGTAGAGAGATATTC-3'
Protein context (NP_001175.2, residues 450-470): EIKHVDMNQK[Ser460Asn]ILWSALKQKA